The following is an entry in ClinVar:

ClinVar aggregate classification (germline): Benign/Likely benign. Review status: criteria provided, multiple submitters, no conflicts (2 of 4 stars). 5 submissions from 5 submitters: Benign (4); Likely benign (1). Last evaluated 2025-09-03.

Allele frequency attached by ClinVar (database versions not stated): 1000 Genomes Project 30x 0.00375; 1000 Genomes Project 0.00419; TOPMed 0.00642; gnomAD exomes 0.00644; ExAC 0.00656; gnomAD 0.00690 and 0.00714; ESP Exome Variant Server 0.00807.
gnomAD v4.1: 14,594 of 1,614,232 alleles (0.9%); highest among the groups gnomAD compares: Non-Finnish European, 1.1%; 80 homozygotes.

Submissions (5):

Mayo Clinic Laboratories, Mayo Clinic
Classification: Likely benign. Last evaluated: 2025-09-03. Review status: criteria provided, single submitter. Criteria: ACMG Guidelines, 2015. Collection method: clinical testing. Allele origin: germline. Observed: 3 variant alleles.

ARUP Laboratories, Molecular Genetics and Genomics, ARUP Laboratories
Classification: Benign. Last evaluated: 2024-11-14. Review status: criteria provided, single submitter. Criteria: ARUP Molecular Germline Variant Investigation Process 2024. Collection method: clinical testing. Allele origin: germline.

CeGaT Center for Human Genetics Tuebingen
Classification: Benign. Last evaluated: 2022-11-01. Review status: criteria provided, single submitter. Criteria: CeGaT Center For Human Genetics Tuebingen Variant Classification Criteria Version 2. Collection method: clinical testing. Allele origin: germline. Affected: yes. Observed: 1 variant allele.
Comment: HIF1A: BP4, BP7, BS1, BS2; HIF1A-AS2: BS1, BS2; HIF1A-AS1: BS1, BS2

Labcorp Genetics (formerly Invitae), Labcorp
Classification: Benign. Last evaluated: 2019-12-31. Review status: criteria provided, single submitter. Criteria: Invitae Variant Classification Sherloc (09022015). Collection method: clinical testing. Allele origin: germline.

Breakthrough Genomics
Classification: Benign. Review status: criteria provided, single submitter. Criteria: ACMG Guidelines, 2015. Collection method: not provided. Allele origin: germline. Inheritance: Unknown mechanism. Affected: yes.

NM_001530.4(HIF1A):c.1800A>T (p.Thr600=)

Genes: HIF1A (hypoxia inducible factor 1 subunit alpha; plus strand), HIF1A-AS3 (HIF1A antisense RNA 3; minus strand). Cytogenetic location: 14q23.2.
Variant type: single nucleotide variant.
Coding change: c.1800A>T on transcript NM_001530.4 (MANE Select); coding-DNA position 1800, A replaced by T.
Protein change: p.Thr600=; no amino-acid change (threonine 600 retained).
Molecular consequence: synonymous variant.
Genome position (GRCh38, 1-based): chr14:61,740,895, A>T. VCF-style: chr14-61740895-A-T. GRCh37 (hg19) VCF-style: chr14-62207613-A-T.
Other names: p.Thr600=; c.1872A>T, p.Thr624= (NM_001243084.2); c.1800A>T, p.Thr600= (NM_181054.3).
Identifiers: ClinVar variation 774490 (VCV000774490.31), dbSNP rs61755645, ClinGen allele CA7216014.